The following is an entry in ClinVar:

NM_001184.4(ATR):c.1756A>G (p.Ile586Val)

Gene: ATR (ATR checkpoint kinase; minus strand). Cytogenetic location: 3q23.
Variant type: single nucleotide variant.
Coding change: c.1756A>G on transcript NM_001184.4 (MANE Select); coding-DNA position 1756, A replaced by G.
Protein change: p.Ile586Val; replaces isoleucine 586 with valine.
Molecular consequence: missense variant.
Genome position (GRCh38, 1-based): chr3:142,558,753, T>C on the plus strand (A>G on the coding strand, the complement: ATR is on the minus strand). VCF-style: chr3-142558753-T-C. GRCh37 (hg19) VCF-style: chr3-142277595-T-C.
Other names: c.1564A>G, p.Ile522Val (NM_001354579.2); short protein forms I522V, I586V.
Identifiers: ClinVar variation 1779472 (VCV001779472.4), dbSNP rs745834238, ClinGen allele CA2650520.
Genomic context (GRCh38, chr3:142,558,753, plus strand): 5'-CATCATCAGAATGGGAATAAATCCATGGAAGTGAGAGCATACCACATAAATCTTCCAGGA[T>C]ATGATCTTCAAATGAACTGTTTACTACAGAAGCACAAAATAAGTCATTAATTATAACTTT-3'
Protein context (NP_001175.2, residues 576-596): MQVNSSFEDH[Ile586Val]LEDLCGMLSL

ClinVar aggregate classification (germline): Uncertain significance. Review status: criteria provided, multiple submitters, no conflicts (2 of 4 stars). 2 submissions from 2 submitters: Uncertain significance (2). Last evaluated 2024-07-15.

Conditions:
Inborn genetic diseases. Identifiers: MedGen C0950123, MeSH D030342.

Allele frequency attached by ClinVar (database versions not stated): ExAC 0.00001.

Submissions (2):

Labcorp Genetics (formerly Invitae), Labcorp
Classification: Uncertain significance. Last evaluated: 2024-07-15. Review status: criteria provided, single submitter. Criteria: Invitae Variant Classification Sherloc (09022015). Collection method: clinical testing. Allele origin: germline.
Comment: This sequence change replaces isoleucine, which is neutral and non-polar, with valine, which is neutral and non-polar, at codon 586 of the ATR protein (p.Ile586Val). This variant is present in population databases (rs745834238, gnomAD 0.006%). This variant has not been reported in the literature in individuals affected with ATR-related conditions. ClinVar contains an entry for this variant (Variation ID: 1779472). An algorithm developed to predict the effect of missense changes on protein structure and function outputs the following: PolyPhen-2: "Benign". The valine amino acid residue is found in multiple mammalian species, which suggests that this missense change does not adversely affect protein function. In summary, the available evidence is currently insufficient to determine the role of this variant in disease. Therefore, it has been classified as a Variant of Uncertain Significance.

Ambry Genetics
Classification: Uncertain significance for Inborn genetic diseases. Last evaluated: 2022-02-06. Review status: criteria provided, single submitter. Criteria: Ambry Variant Classification Scheme 2023. Collection method: clinical testing. Allele origin: germline.
Comment: The p.I586V variant (also known as c.1756A>G), located in coding exon 8 of the ATR gene, results from an A to G substitution at nucleotide position 1756. The isoleucine at codon 586 is replaced by valine, an amino acid with highly similar properties. This amino acid position is conserved. In addition, this alteration is predicted to be tolerated by in silico analysis. Since supporting evidence is limited at this time, the clinical significance of this alteration remains unclear.